The following is an entry in ClinVar:

NM_001009944.3(PKD1):c.2051G>T (p.Arg684Ile)

Gene: PKD1 (polycystin 1, transient receptor potential channel interacting; minus strand). Cytogenetic location: 16p13.3.
Variant type: single nucleotide variant.
Coding change: c.2051G>T on transcript NM_001009944.3 (MANE Select); coding-DNA position 2051, G replaced by T.
Protein change: p.Arg684Ile; replaces arginine 684 with isoleucine.
Molecular consequence: missense variant.
Genome position (GRCh38, 1-based): chr16:2,115,424, C>A on the plus strand (G>T on the coding strand, the complement: PKD1 is on the minus strand). VCF-style: chr16-2115424-C-A. GRCh37 (hg19) VCF-style: chr16-2165425-C-A.
Other names: c.2051G>T, p.Arg684Ile (NM_000296.4); short protein forms R684I.
Identifiers: ClinVar variation 3213448 (VCV003213448.2), dbSNP rs563459215, ClinGen allele CA7833299.

ClinVar aggregate classification (germline): Uncertain significance. Review status: criteria provided, multiple submitters, no conflicts (2 of 4 stars). 2 submissions from 2 submitters: Uncertain significance (2). Last evaluated 2024-01-04.

Conditions:
Inborn genetic diseases. Identifiers: MedGen C0950123, MeSH D030342.

Allele frequency attached by ClinVar (database versions not stated): gnomAD 0.00013; 1000 Genomes Project 30x 0.00016; 1000 Genomes Project 0.00020; TOPMed 0.00023.
gnomAD v4.1: 51 of 1,584,602 alleles (0.0032%); highest among the groups gnomAD compares: Admixed American, 0.067%; no homozygotes.

Submissions (2):

Athena Diagnostics
Classification: Uncertain significance. Last evaluated: 2024-01-04. Review status: criteria provided, single submitter. Criteria: Athena Diagnostics Criteria. Collection method: clinical testing. Allele origin: unknown.
Comment: Available data are insufficient to determine the clinical significance of the variant at this time. The frequency of this variant in the general population is uninformative in assessment of its pathogenicity. In multiple individuals, this variant has been seen where an alternate explanation for disease was also identified, suggesting this variant is unlikely to cause disease. Computational tools predict that this variant is not damaging.

Ambry Genetics
Classification: Uncertain significance for Inborn genetic diseases. Last evaluated: 2023-11-04. Review status: criteria provided, single submitter. Criteria: Ambry Variant Classification Scheme 2023. Collection method: clinical testing. Allele origin: germline.